The following is an entry in ClinVar:

ClinVar aggregate classification (germline): Likely pathogenic (1 of 4 stars; one submission).

Conditions:
Short-rib thoracic dysplasia 14 with polydactyly (SRTD14). Identifiers: Orphanet 397715, MedGen C4225286, MONDO:0014688, OMIM 616546.
Joubert syndrome 23 (JBTS23). Identifiers: Orphanet 475, MedGen C4084822, MONDO:0014664, OMIM 616490.

Submission:

Juno Genomics, Hangzhou Juno Genomics, Inc
Classification: Likely pathogenic for Joubert syndrome 23; Short-rib thoracic dysplasia 14 with polydactyly. Review status: criteria provided, single submitter. Criteria: ACMG Guidelines, 2015. Collection method: clinical testing. Allele origin: germline.
Comment: Null variant in a gene where loss of function (LOF) is a known mechanism of disease.;Absent from controls (or at extremely low frequency if recessive) in Genome Aggregation Database.

NM_001329943.3(KIAA0586):c.3557del (p.Pro1186fs)

Gene: KIAA0586 (KIAA0586; plus strand). Cytogenetic location: 14q23.1.
Variant type: Deletion.
Coding change: c.3557del on transcript NM_001329943.3 (MANE Select); coding-DNA position 3557, one base deleted (C; older notation c.3557delC).
Protein change: p.Pro1186fs; shifts the reading frame from proline 1186.
Molecular consequence: frameshift variant.
Genome position (GRCh38, 1-based): chr14:58,488,650, C deleted; the last of 2 consecutive C bases (chr14:58,488,649-58,488,650); deleting either gives the same sequence. VCF-style (leftmost placement, unchanged base first): chr14-58488648-AC-A. GRCh37 (hg19) VCF-style: chr14-58955366-AC-A.
Other names: c.3512del, p.Pro1171fs (NM_001244190.2); c.3302del, p.Pro1101fs (NM_001244191.2, NM_001329945.2, NM_001364700.1 and 1 more transcripts); c.3425del, p.Pro1142fs (NM_001244192.2); c.3137del, p.Pro1046fs (NM_001244193.2); c.3557del, p.Pro1186fs (NM_001329944.2, NM_001329946.2, NM_001329947.2); c.3716del, p.Pro1239fs (NM_001244189.2); c.3329del, p.Pro1110fs (NM_014749.5); short protein forms P1101fs, P1171fs, P1239fs, P1046fs, P1110fs, P1142fs, P1186fs.
Identifiers: ClinVar variation 5005333 (VCV005005333.2).